The following is an entry in ClinVar:

ClinVar aggregate classification (germline): Uncertain significance (1 of 4 stars; one submission).

Conditions:
Combined immunodeficiency due to DOCK8 deficiency (HIES2). Also called: HIES autosomal recessive; HYPER-IgE RECURRENT INFECTION SYNDROME 2, AUTOSOMAL RECESSIVE; Hyper-IgE recurrent infection syndrome, autosomal recessive; HYPER-IgE SYNDROME 2, AUTOSOMAL RECESSIVE, WITH RECURRENT INFECTIONS; DOCK8 Deficiency. Identifiers: Orphanet 217390, MedGen C4722305, MONDO:0009478, OMIM 243700.

Submission:

Labcorp Genetics (formerly Invitae), Labcorp
Classification: Uncertain significance for Combined immunodeficiency due to DOCK8 deficiency. Last evaluated: 2017-10-24. Review status: criteria provided, single submitter. Criteria: Invitae Variant Classification Sherloc (09022015). Collection method: clinical testing. Allele origin: germline.
Comment: This variant is not present in population databases (ExAC no frequency). This sequence change replaces glutamine with histidine at codon 176 of the DOCK8 protein (p.Gln176His). The glutamine residue is moderately conserved and there is a small physicochemical difference between glutamine and histidine. This variant also falls at the last nucleotide of exon 5 of the DOCK8 coding sequence, which is part of the consensus splice site for this exon. This variant has not been reported in the literature in individuals with DOCK8-related disease. In summary, the available evidence is currently insufficient to determine the role of this variant in disease. Therefore, it has been classified as a Variant of Uncertain Significance. Nucleotide substitutions within the consensus splice site are relatively common causes of aberrant splicing (PMID: 17576681, 9536098). Algorithms developed to predict the effect of sequence changes on RNA splicing suggest that this variant may disrupt the consensus splice site, but this prediction has not been confirmed by published transcriptional studies. Algorithms developed to predict the effect of missense changes on protein structure and function (SIFT, PolyPhen-2, Align-GVGD) all suggest that this variant is likely to be tolerated, but these predictions have not been confirmed by published functional studies and their clinical significance is uncertain.

Literature cited by the submitters: PubMed 17576681; PubMed 9536098.

NM_203447.4(DOCK8):c.528G>C (p.Gln176His)

Gene: DOCK8 (dedicator of cytokinesis 8; plus strand). Cytogenetic location: 9p24.3.
Variant type: single nucleotide variant.
Coding change: c.528G>C on transcript NM_203447.4 (MANE Select); coding-DNA position 528, G replaced by C.
Protein change: p.Gln176His; replaces glutamine 176 with histidine.
Molecular consequence: missense variant.
Genome position (GRCh38, 1-based): chr9:304,704, G>C. VCF-style: chr9-304704-G-C. GRCh37 (hg19) VCF-style: chr9-304704-G-C.
Other names: c.324G>C, p.Gln108His (NM_001190458.2, NM_001193536.2); short protein forms Q176H, Q108H.
Identifiers: ClinVar variation 536602 (VCV000536602.9), dbSNP rs1554662110, ClinGen allele CA372758992.